The following is an entry in ClinVar:

ClinVar aggregate classification (germline): Uncertain significance (1 of 4 stars; one submission).

Conditions:
Hereditary cancer-predisposing syndrome. Also called: Neoplastic Syndromes, Hereditary; Tumor predisposition; Hereditary neoplastic syndrome; Hereditary Cancer Syndrome. Identifiers: Orphanet 140162, MedGen C0027672, MeSH D009386, MONDO:0015356.

Submission:

Ambry Genetics
Classification: Uncertain significance for Hereditary cancer-predisposing syndrome. Last evaluated: 2023-12-22. Review status: criteria provided, single submitter. Criteria: Ambry Variant Classification Scheme 2023. Collection method: clinical testing. Allele origin: germline.
Comment: The p.N185T variant (also known as c.554A>C), located in coding exon 3 of the CHEK2 gene, results from an A to C substitution at nucleotide position 554. The asparagine at codon 185 is replaced by threonine, an amino acid with similar properties. This amino acid position is highly conserved in available vertebrate species. In addition, the in silico prediction for this alteration is inconclusive. Since supporting evidence is limited at this time, the clinical significance of this alteration remains unclear.

NM_007194.4(CHEK2):c.554A>C (p.Asn185Thr)

Gene: CHEK2 (checkpoint kinase 2; minus strand). Cytogenetic location: 22q12.1.
Variant type: single nucleotide variant.
Coding change: c.554A>C on transcript NM_007194.4 (MANE Select); coding-DNA position 554, A replaced by C.
Protein change: p.Asn185Thr; replaces asparagine 185 with threonine.
Molecular consequence: missense variant. On other transcripts: 5 prime UTR variant (2), intron variant (1).
Genome position (GRCh38, 1-based): chr22:28,725,015, T>G on the plus strand (A>C on the coding strand, the complement: CHEK2 is on the minus strand). VCF-style: chr22-28725015-T-G. GRCh37 (hg19) VCF-style: chr22-29121003-T-G.
Other names: c.683A>C, p.Asn228Thr (NM_001005735.3, NM_001438294.1); c.-224A>C (NM_001257387.3); c.-110A>C (NM_001437942.1); c.647A>C, p.Asn216Thr (NM_001438293.1, NM_001438295.1); c.554A>C, p.Asn185Thr (NM_145862.3); c.445-92A>C (NM_001349956.3); short protein forms N185T, N228T, N216T.
Identifiers: ClinVar variation 3226037 (VCV003226037.1), dbSNP rs2053939554, ClinGen allele CA411107156.
Genomic context (GRCh38, chr22:28,725,015, plus strand): 5'-AACCATAAGATAATAATATTACCTTTATTTCTGCTTAGTGACAGTGCAATTTCAGAATTG[T>G]TATTCAAAGGACGGCGTTTTCCTTTCCCTACAAGCTCTGTATTTACAAAGGTTCCATTGC-3'
Protein context (NP_009125.1, residues 175-195): VGKGKRRPLN[Asn185Thr]NSEIALSLSR